The following is an entry in ClinVar:

ClinVar aggregate classification (germline): Likely pathogenic (1 of 4 stars; one submission).

Conditions:
Propionic acidemia (PROP). Also called: GLYCINEMIA, KETOTIC; HYPERGLYCINEMIA WITH KETOACIDOSIS AND LEUKOPENIA; KETOTIC HYPERGLYCINEMIA. Identifiers: Orphanet 35, MedGen C0268579, MONDO:0011628, OMIM 606054, HP:0003571.

Submission:

Labcorp Genetics (formerly Invitae), Labcorp
Classification: Likely pathogenic for Propionic acidemia. Last evaluated: 2023-11-11. Review status: criteria provided, single submitter. Criteria: Invitae Variant Classification Sherloc (09022015). Collection method: clinical testing. Allele origin: germline.
Comment: This variant results in the deletion of part of exon 13 (c.1395_1398+8del) of the PCCB gene. It is expected to disrupt RNA splicing. Variants that disrupt the donor or acceptor splice site typically lead to a loss of protein function (PMID: 16199547), and loss-of-function variants in PCCB are known to be pathogenic (PMID: 15464417). This variant is not present in population databases (gnomAD no frequency). This variant has not been reported in the literature in individuals affected with PCCB-related conditions. In summary, the currently available evidence indicates that the variant is pathogenic, but additional data are needed to prove that conclusively. Therefore, this variant has been classified as Likely Pathogenic.

Literature cited by the submitters: PubMed 16199547; PubMed 15464417.

NM_000532.5(PCCB):c.1395_1398+8del

Gene: PCCB (propionyl-CoA carboxylase subunit beta; plus strand). Cytogenetic location: 3q22.3.
Variant type: Deletion.
Coding change: c.1395_1398+8del on transcript NM_000532.5 (MANE Select); coding-DNA position 1395 through 8 bases into the intron after coding-DNA position 1398, 12 bases deleted (AAAGGTGAGGGC).
Molecular consequence: splice donor variant.
Genome position (GRCh38, 1-based): chr3:136,327,729-136,327,740, AAAGGTGAGGGC deleted; deleting any 12 consecutive bases within chr3:136,327,727-136,327,740 gives the same sequence; the c. name uses the placement nearest the transcript's 3' end. VCF-style (leftmost placement, unchanged base first): chr3-136327726-AGCAAAGGTGAGG-A. GRCh37 (hg19) VCF-style: chr3-136046568-AGCAAAGGTGAGG-A.
Other names: c.1455_1458+8del (NM_001178014.2).
Identifiers: ClinVar variation 2695117 (VCV002695117.3), dbSNP rs2529974362, ClinGen allele CA2697556863.